The following is an entry in ClinVar:

ClinVar aggregate classification (germline): Uncertain significance (1 of 4 stars; one submission).

Submission:

Labcorp Genetics (formerly Invitae), Labcorp
Classification: Uncertain significance. Last evaluated: 2021-11-24. Review status: criteria provided, single submitter. Criteria: Invitae Variant Classification Sherloc (09022015). Collection method: clinical testing. Allele origin: germline.
Comment: In summary, the available evidence is currently insufficient to determine the role of this variant in disease. Therefore, it has been classified as a Variant of Uncertain Significance. Algorithms developed to predict the effect of missense changes on protein structure and function (SIFT, PolyPhen-2, Align-GVGD) all suggest that this variant is likely to be tolerated. This variant has not been reported in the literature in individuals affected with LRRC10-related conditions. This variant is not present in population databases (gnomAD no frequency). This sequence change replaces serine, which is neutral and polar, with leucine, which is neutral and non-polar, at codon 212 of the LRRC10 protein (p.Ser212Leu).

NM_201550.4(LRRC10):c.635C>T (p.Ser212Leu)

Gene: LRRC10 (leucine rich repeat containing 10; minus strand). Cytogenetic location: 12q15.
Variant type: single nucleotide variant.
Coding change: c.635C>T on transcript NM_201550.4 (MANE Select); coding-DNA position 635, C replaced by T.
Protein change: p.Ser212Leu; replaces serine 212 with leucine.
Molecular consequence: missense variant.
Genome position (GRCh38, 1-based): chr12:69,610,204, G>A on the plus strand (C>T on the coding strand, the complement: LRRC10 is on the minus strand). VCF-style: chr12-69610204-G-A. GRCh37 (hg19) VCF-style: chr12-70003984-G-A.
Other names: short protein forms S212L.
Identifiers: ClinVar variation 1490728 (VCV001490728.6), dbSNP rs2135868960, ClinGen allele CA385735781.